The following is an entry in ClinVar:

NC_000021.8:g.(?_34072128)_(34074377_?)del

Gene: SYNJ1 (synaptojanin 1; minus strand). Cytogenetic location: 21q22.11.
Variant type: Deletion.
Identifiers: ClinVar variation 1458746 (VCV001458746.8).

ClinVar aggregate classification (germline): Pathogenic (1 of 4 stars; one submission).

Conditions:
Developmental and epileptic encephalopathy, 53. Also called: Epileptic encephalopathy, early infantile, 53. Identifiers: MedGen C4479313, MONDO:0033362, OMIM 617389.
Early-onset Parkinson disease 20. Also called: PARKINSON DISEASE 20, AUTOSOMAL RECESSIVE EARLY-ONSET. Identifiers: Orphanet 391411, MedGen C3809824, MONDO:0014233, OMIM 615530.

Submission:

Labcorp Genetics (formerly Invitae), Labcorp
Classification: Pathogenic for Developmental and epileptic encephalopathy, 53; Early-onset Parkinson disease 20. Last evaluated: 2022-07-12. Review status: criteria provided, single submitter. Criteria: Invitae Variant Classification Sherloc (09022015). Collection method: clinical testing. Allele origin: germline.
Comment: For these reasons, this variant has been classified as Pathogenic. This variant has not been reported in the literature in individuals affected with SYNJ1-related conditions. This variant is a gross deletion of the genomic region encompassing exon(s) 3-4 of the SYNJ1 gene. This deletion is out-of-frame, and is expected to create a premature termination codon and result in an absent or disrupted protein product. Loss-of-function variants in SYNJ1 are known to be pathogenic (PMID: 25316601, 27435091).

Literature cited by the submitters: PubMed 25316601; PubMed 27435091.